The following is an entry in ClinVar:

ClinVar aggregate classification (germline): Uncertain significance. Review status: criteria provided, multiple submitters, no conflicts (2 of 4 stars). 3 submissions from 3 submitters: Uncertain significance (3). Last evaluated 2026-09-14.

Conditions:
Hypertrophic cardiomyopathy. Also called: HYPERTROPHIC MYOCARDIOPATHY. Identifiers: Orphanet 217569, MedGen C0007194, MeSH D002312, MONDO:0005045, HP:0001639.
Cardiovascular phenotype. Identifiers: MedGen CN230736.

Submissions (3):

Ambry Genetics
Classification: Uncertain significance for Cardiovascular phenotype. Last evaluated: 2026-09-14. Review status: criteria provided, single submitter. Criteria: Ambry Variant Classification Scheme 2023. Collection method: clinical testing. Allele origin: germline.
Comment: The p.K596N variant (also known as c.1788G>T), located in coding exon 14 of the MYH7 gene, results from a G to T substitution at nucleotide position 1788. The lysine at codon 596 is replaced by asparagine, an amino acid with similar properties. This variant was reported in individual(s) with features consistent with dilated cardiomyopathy (DCM) (Winiowska-miaek S et al. Pol Arch Intern Med, 2024 Dec;134:[ePub ahead of print]). This amino acid position is highly conserved in available vertebrate species. In addition, this alteration is predicted to be deleterious by in silico analysis. Based on the available evidence, the clinical significance of this variant remains unclear.

GeneDx
Classification: Uncertain significance. Last evaluated: 2024-07-27. Review status: criteria provided, single submitter. Criteria: GeneDx Variant Classification Process June 2021. Collection method: clinical testing. Allele origin: germline. Affected: yes.
Comment: Has not been previously published as pathogenic or benign to our knowledge; Not observed at significant frequency in large population cohorts (gnomAD); In silico analysis supports that this missense variant has a deleterious effect on protein structure/function; This variant is associated with the following publications: (PMID: 27532257, 29300372)

Labcorp Genetics (formerly Invitae), Labcorp
Classification: Uncertain significance for Hypertrophic cardiomyopathy. Last evaluated: 2024-04-22. Review status: criteria provided, single submitter. Criteria: Invitae Variant Classification Sherloc (09022015). Collection method: clinical testing. Allele origin: germline.
Comment: This sequence change replaces lysine, which is basic and polar, with asparagine, which is neutral and polar, at codon 596 of the MYH7 protein (p.Lys596Asn). This variant is not present in population databases (gnomAD no frequency). This variant has not been reported in the literature in individuals affected with MYH7-related conditions. ClinVar contains an entry for this variant (Variation ID: 579498). Advanced modeling of protein sequence and biophysical properties (such as structural, functional, and spatial information, amino acid conservation, physicochemical variation, residue mobility, and thermodynamic stability) performed at Invitae indicates that this missense variant is expected to disrupt MYH7 protein function with a positive predictive value of 95%. In summary, the available evidence is currently insufficient to determine the role of this variant in disease. Therefore, it has been classified as a Variant of Uncertain Significance.

Literature cited by the submitters: PubMed 39692270 (cited by Ambry Genetics).

NM_000257.4(MYH7):c.1788G>T (p.Lys596Asn)

Gene: MYH7 (myosin heavy chain 7; minus strand). Cytogenetic location: 14q11.2.
Variant type: single nucleotide variant.
Coding change: c.1788G>T on transcript NM_000257.4 (MANE Select); coding-DNA position 1788, G replaced by T.
Protein change: p.Lys596Asn; replaces lysine 596 with asparagine.
Molecular consequence: missense variant.
Genome position (GRCh38, 1-based): chr14:23,427,685, C>A on the plus strand (G>T on the coding strand, the complement: MYH7 is on the minus strand). VCF-style: chr14-23427685-C-A. GRCh37 (hg19) VCF-style: chr14-23896894-C-A.
Other names: c.1788G>T (NM_000257.2); short protein forms K596N.
Identifiers: ClinVar variation 579498 (VCV000579498.10), dbSNP rs606231325, ClinGen allele CA389049814.
Genomic context (GRCh38, chr14:23,427,685, plus strand): 5'-CAGCTTGAGGGAAGACTTCTGATACAAGCCCACGACAGTCTCATTGAGAGGATCCTTGTT[C>A]TTCTGCAGCCAGCCAATGATGTTGTAGTCCACGATGCCGGCATAGTGGATCAGGGAGAAG-3'
Protein context (NP_000248.2, residues 586-606): VDYNIIGWLQ[Lys596Asn]NKDPLNETVV